The following is an entry in ClinVar:

NM_001204.7(BMPR2):c.156_157del (p.Ser52_His53insTer)

Gene: BMPR2 (bone morphogenetic protein receptor type 2; plus strand). Cytogenetic location: 2q33.1.
Variant type: Microsatellite.
Coding change: c.156_157del on transcript NM_001204.7 (MANE Select); coding-DNA positions 156 to 157, 2 bases deleted (TC; older notation c.156_157delTC).
Protein change: p.Ser52_His53insTer.
Molecular consequence: frameshift variant.
Genome position (GRCh38, 1-based): chr2:202,464,888-202,464,889, TC deleted; deleting any 2 consecutive bases within chr2:202,464,884-202,464,889 gives the same sequence; the c. name uses the placement nearest the transcript's 3' end. VCF-style (leftmost placement, unchanged base first): chr2-202464883-ATC-A. GRCh37 (hg19) VCF-style: chr2-203329606-ATC-A.
Other names: c.156_157del (NM_001204.6).
Identifiers: ClinVar variation 425708 (VCV000425708.8), dbSNP rs1085307169, ClinGen allele CA645293991.

ClinVar aggregate classification (germline): Pathogenic/Likely pathogenic. Review status: criteria provided, multiple submitters, no conflicts (2 of 4 stars). 6 submissions from 6 submitters: Pathogenic (3); Likely pathogenic (1). 2 of the submissions do not count toward it. Last evaluated 2025-02-27.

Conditions:
Pulmonary hypertension, primary, 1 (PPH1). Also called: Pulmonary hypertension, familial primary, 1, with or without HHT. Identifiers: Orphanet 422, MedGen C4552070, MONDO:0024533, OMIM 178600.
BMPR2-related disorder. Also called: BMPR2-related condition; BMPR2-related disorders.
Pulmonary venoocclusive disease 1 (PVOD1). Also called: Pulmonary venoocclusive disease 1, autosomal dominant. Identifiers: Orphanet 31837, MedGen C3887658, MONDO:0020713, OMIM 265450.
Primary pulmonary hypertension. Also called: Idiopathic pulmonary hypertension. Identifiers: MedGen C0152171.
Pulmonary arterial hypertension. Identifiers: Orphanet 182090, MedGen C2973725, MeSH D000081029, MONDO:0015924, HP:0002092.

Submissions (6):

Labcorp Genetics (formerly Invitae), Labcorp
Classification: Pathogenic for Primary pulmonary hypertension. Last evaluated: 2025-02-27. Review status: criteria provided, single submitter. Criteria: Invitae Variant Classification Sherloc (09022015). Collection method: clinical testing. Allele origin: germline.
Comment: This sequence change creates a premature translational stop signal (p.His53*) in the BMPR2 gene. It is expected to result in an absent or disrupted protein product. Loss-of-function variants in BMPR2 are known to be pathogenic (PMID: 16429395). This variant is not present in population databases (gnomAD no frequency). This premature translational stop signal has been observed in individual(s) with pulmonary hypertension (PMID: 11115378, 27630060). This variant is also known as 156–157delTC S52fs and c.156_157delTC (p.S52Sfs*2). ClinVar contains an entry for this variant (Variation ID: 425708). For these reasons, this variant has been classified as Pathogenic.

Fulgent Genetics
Classification: Pathogenic for Pulmonary hypertension, primary, 1; Pulmonary venoocclusive disease 1. Last evaluated: 2024-05-31. Review status: criteria provided, single submitter. Criteria: ACMG Guidelines, 2015. Collection method: clinical testing. Allele origin: germline.

GeneDx
Classification: Likely pathogenic. Last evaluated: 2023-02-24. Review status: criteria provided, single submitter. Criteria: GeneDx Variant Classification Process June 2021. Collection method: clinical testing. Allele origin: germline. Affected: yes.
Comment: Reported as S52fs and S52Sfs*2 respectively in patients with pulmonary arterial hypertension in published literature (Machado et al., 2001; Pousada et al., 2016); Nonsense variant predicted to result in protein truncation or nonsense mediated decay in a gene for which loss of function is a known mechanism of disease; Not observed at significant frequency in large population cohorts (gnomAD); This variant is associated with the following publications: (PMID: 28507310, 27630060, 32581362, 11115378)

PreventionGenetics, part of Exact Sciences
Classification: Pathogenic for BMPR2-related condition. Last evaluated: 2022-08-26. Review status: criteria provided, single submitter. Criteria: ACMG Guidelines, 2015. Collection method: clinical testing. Allele origin: germline.
Comment: The BMPR2 c.156_157delTC variant is predicted to result in premature protein termination (p.His53*). This variant has been reported in multiple individual with pulmonary arterial hypertension (Machado et al. 2001. PubMed ID: 11115378; Pousada et al. 2016. PubMed ID: 27630060). This variant has not been reported in a large population database, indicating this variant is rare. Nonsense variants in BMPR2 are expected to be pathogenic. This variant is interpreted as pathogenic.

NIHR Bioresource Rare Diseases, University of Cambridge
Classification: Pathogenic for Pulmonary arterial hypertension. Review status: no assertion criteria provided. Collection method: research. Allele origin: unknown. Affected: yes. Observed: 3 variant alleles. Not counted in ClinVar's aggregate classification.

Rare Disease Genomics Group, St George's University of London
Classification: Pathogenic for Primary pulmonary hypertension. Review status: no assertion criteria provided. Collection method: literature only. Allele origin: germline. Affected: yes. Not counted in ClinVar's aggregate classification.

Literature cited by the submitters: PubMed 16429395 (cited by Labcorp Genetics (formerly Invitae), Labcorp); PubMed 11115378 (cited by Labcorp Genetics (formerly Invitae), Labcorp and Rare Disease Genomics Group, St George's University of London); PubMed 27630060 (cited by Labcorp Genetics (formerly Invitae), Labcorp); PubMed 32581362 (cited by NIHR Bioresource Rare Diseases, University of Cambridge).